The following is an entry in ClinVar:

NM_001458.5(FLNC):c.1097T>C (p.Val366Ala)

Gene: FLNC (filamin C; plus strand). Cytogenetic location: 7q32.1.
Variant type: single nucleotide variant.
Coding change: c.1097T>C on transcript NM_001458.5 (MANE Select); coding-DNA position 1097, T replaced by C.
Protein change: p.Val366Ala; replaces valine 366 with alanine.
Molecular consequence: missense variant.
Genome position (GRCh38, 1-based): chr7:128,838,316, T>C. VCF-style: chr7-128838316-T-C. GRCh37 (hg19) VCF-style: chr7-128478370-T-C.
Other names: c.1097T>C, p.Val366Ala (NM_001127487.2); c.1097T>C (NM_001458.4); short protein forms V366A.
Identifiers: ClinVar variation 1014106 (VCV001014106.11), dbSNP rs1324323411, ClinGen allele CA369223698.
Genomic context (GRCh38, chr7:128,838,316, plus strand): 5'-CTGACCCCTAGGTGACCGTGCTCTTTGCTGGCCAGAACATTGAACGCAGTCCCTTTGAGG[T>C]GAACGTGGGCATGGCCCTGGGAGATGCCAACAAGGTGTCAGCCCGTGGCCCTGGCCTGGA-3'
Protein context (NP_001449.3, residues 356-376): GQNIERSPFE[Val366Ala]NVGMALGDAN

ClinVar aggregate classification (germline): Uncertain significance. Review status: criteria provided, multiple submitters, no conflicts (2 of 4 stars). 2 submissions from 2 submitters: Uncertain significance (2). Last evaluated 2025-09-11.

Conditions:
Cardiovascular phenotype. Identifiers: MedGen CN230736.
Hypertrophic cardiomyopathy 26. Also called: Cardiomyopathy, familial hypertrophic, 26. Identifiers: Orphanet 75249, MedGen C4310749, MONDO:0014883, OMIM 617047.
Distal myopathy with posterior leg and anterior hand involvement. Also called: WILLIAMS DISTAL MYOPATHY. Identifiers: Orphanet 63273, MedGen C3279722, MONDO:0013550, OMIM 614065.
Myofibrillar myopathy 5. Also called: FILAMINOPATHY, AUTOSOMAL DOMINANT; Filaminopathy (type). Identifiers: Orphanet 171445, MedGen C1836050, MONDO:0012289, OMIM 609524.

Allele frequency attached by ClinVar (database versions not stated): gnomAD exomes below 0.00001; gnomAD 0.00001; TOPMed 0.00002.
gnomAD v4.1: 2 of 1,613,934 alleles (0.00012%); highest among the groups gnomAD compares: Non-Finnish European, 0.00017%; no homozygotes.

Submissions (2):

Labcorp Genetics (formerly Invitae), Labcorp
Classification: Uncertain significance for Distal myopathy with posterior leg and anterior hand involvement; Myofibrillar myopathy 5; Hypertrophic cardiomyopathy 26. Last evaluated: 2025-09-11. Review status: criteria provided, single submitter. Criteria: Invitae Variant Classification Sherloc (09022015). Collection method: clinical testing. Allele origin: germline.
Comment: This sequence change replaces valine, which is neutral and non-polar, with alanine, which is neutral and non-polar, at codon 366 of the FLNC protein (p.Val366Ala). This variant is not present in population databases (gnomAD no frequency). This missense change has been observed in individual(s) with FLNC-related conditions (internal data). ClinVar contains an entry for this variant (Variation ID: 1014106). Invitae Evidence Modeling of protein sequence and biophysical properties (such as structural, functional, and spatial information, amino acid conservation, physicochemical variation, residue mobility, and thermodynamic stability) has been performed for this missense variant. However, the output from this modeling did not meet the statistical confidence thresholds required to predict the impact of this variant on FLNC protein function. In summary, the available evidence is currently insufficient to determine the role of this variant in disease. Therefore, it has been classified as a Variant of Uncertain Significance.

Ambry Genetics
Classification: Uncertain significance for Cardiovascular phenotype. Last evaluated: 2023-06-29. Review status: criteria provided, single submitter. Criteria: Ambry Variant Classification Scheme 2023. Collection method: clinical testing. Allele origin: germline.
Comment: The p.V366A variant (also known as c.1097T>C), located in coding exon 7 of the FLNC gene, results from a T to C substitution at nucleotide position 1097. The valine at codon 366 is replaced by alanine, an amino acid with similar properties. This amino acid position is conserved. In addition, the in silico prediction for this alteration is inconclusive. Since supporting evidence is limited at this time, the clinical significance of this alteration remains unclear.